The following is an entry in ClinVar:

ClinVar aggregate classification (germline): Uncertain significance. Review status: criteria provided, multiple submitters, no conflicts (2 of 4 stars). 2 submissions from 2 submitters: Uncertain significance (2). Last evaluated 2025-11-03.

Conditions:
Hereditary cancer-predisposing syndrome. Also called: Tumor predisposition; Hereditary Cancer Syndrome; Hereditary neoplastic syndrome; Neoplastic Syndromes, Hereditary. Identifiers: Orphanet 140162, MedGen C0027672, MeSH D009386, MONDO:0015356.

Submissions (2):

Color Diagnostics, LLC DBA Color Health
Classification: Uncertain significance for Hereditary cancer-predisposing syndrome. Last evaluated: 2025-11-03. Review status: criteria provided, single submitter. Criteria: ACMG Guidelines, 2015. Collection method: clinical testing. Allele origin: germline.
Comment: This missense variant replaces aspartic acid with glycine at codon 181 of the ATM protein. Computational prediction suggests that this variant may not impact protein structure and function. To our knowledge, functional studies have not been reported for this variant. This variant has not been reported in individuals affected with ATM-related disorders in the literature. This variant has not been identified in the general population by the Genome Aggregation Database (gnomAD). The available evidence is insufficient to determine the role of this variant in disease conclusively. Therefore, this variant is classified as a Variant of Uncertain Significance.

Ambry Genetics
Classification: Uncertain significance for Hereditary cancer-predisposing syndrome. Last evaluated: 2024-10-02. Review status: criteria provided, single submitter. Criteria: Ambry Variant Classification Scheme 2023. Collection method: clinical testing. Allele origin: germline.
Comment: The p.D181G variant (also known as c.542A>G), located in coding exon 5 of the ATM gene, results from an A to G substitution at nucleotide position 542. The aspartic acid at codon 181 is replaced by glycine, an amino acid with similar properties. This amino acid position is not well conserved in available vertebrate species. In addition, this alteration is predicted to be tolerated by in silico analysis. Based on the available evidence, the clinical significance of this variant remains unclear.

NM_000051.4(ATM):c.542A>G (p.Asp181Gly)

Gene: ATM (ATM serine/threonine kinase; plus strand). Cytogenetic location: 11q22.3.
Variant type: single nucleotide variant.
Coding change: c.542A>G on transcript NM_000051.4 (MANE Select); coding-DNA position 542, A replaced by G.
Protein change: p.Asp181Gly; replaces aspartic acid 181 with glycine.
Molecular consequence: missense variant.
Genome position (GRCh38, 1-based): chr11:108,243,998, A>G. VCF-style: chr11-108243998-A-G. GRCh37 (hg19) VCF-style: chr11-108114725-A-G.
Other names: c.542A>G, p.Asp181Gly (NM_001351834.2); short protein forms D181G.
Identifiers: ClinVar variation 2587787 (VCV002587787.4), dbSNP rs2497130244, ClinGen allele CA382527649.